The following is an entry in ClinVar:

NM_001283009.2(RTEL1):c.3190C>G (p.Leu1064Val)

Genes: RTEL1 (regulator of telomere elongation helicase 1; plus strand), RTEL1-TNFRSF6B (RTEL1-TNFRSF6B readthrough (NMD candidate); plus strand). Cytogenetic location: 20q13.33.
Variant type: single nucleotide variant.
Coding change: c.3190C>G on transcript NM_001283009.2 (MANE Select); coding-DNA position 3190, C replaced by G.
Protein change: p.Leu1064Val; replaces leucine 1064 with valine.
Molecular consequence: missense variant. On other transcripts: non-coding transcript variant (1).
Genome position (GRCh38, 1-based): chr20:63,694,821, C>G. VCF-style: chr20-63694821-C-G. GRCh37 (hg19) VCF-style: chr20-62326174-C-G.
Other names: c.2521C>G, p.Leu841Val (NM_001283010.1); c.3190C>G, p.Leu1064Val (NM_016434.4); c.3262C>G, p.Leu1088Val (NM_032957.5); short protein forms L1088V, L841V, L1064V.
Identifiers: ClinVar variation 1031527 (VCV001031527.7), dbSNP rs373448481, ClinGen allele CA9965898.

ClinVar aggregate classification (germline): Uncertain significance. Review status: criteria provided, multiple submitters, no conflicts (2 of 4 stars). 3 submissions from 3 submitters: Uncertain significance (3). Last evaluated 2025-02-19.

Conditions:
Inborn genetic diseases. Identifiers: MedGen C0950123, MeSH D030342.
Dyskeratosis congenita, autosomal recessive 5 (DKCB5). Identifiers: MedGen C3554656, MONDO:0014076, OMIM 615190.
Pulmonary fibrosis and/or bone marrow failure, Telomere-related, 3. Also called: PULMONARY FIBROSIS AND/OR BONE MARROW FAILURE SYNDROME, TELOMERE-RELATED, 3. Identifiers: Orphanet 2032, MedGen C4225346, MONDO:0014613, OMIM 616373.

Allele frequency attached by ClinVar (database versions not stated): gnomAD 0.00001; TOPMed 0.00002; ESP Exome Variant Server 0.00008.
gnomAD v4.1: 2 of 1,612,438 alleles (0.00012%); highest among the groups gnomAD compares: African/African-American, 0.0027%; no homozygotes.

Submissions (3):

Ambry Genetics
Classification: Uncertain significance for Inborn genetic diseases. Last evaluated: 2025-02-19. Review status: criteria provided, single submitter. Criteria: Ambry Variant Classification Scheme 2023. Collection method: clinical testing. Allele origin: germline.
Comment: The p.L1064V variant (also known as c.3190C>G), located in coding exon 31 of the RTEL1 gene, results from a C to G substitution at nucleotide position 3190. The leucine at codon 1064 is replaced by valine, an amino acid with highly similar properties. This amino acid position is conserved. In addition, the in silico prediction for this alteration is inconclusive. Based on the available evidence, the clinical significance of this variant remains unclear.

Labcorp Genetics (formerly Invitae), Labcorp
Classification: Uncertain significance for Dyskeratosis congenita, autosomal recessive 5; Pulmonary fibrosis and/or bone marrow failure, Telomere-related, 3. Last evaluated: 2021-09-24. Review status: criteria provided, single submitter. Criteria: Invitae Variant Classification Sherloc (09022015). Collection method: clinical testing. Allele origin: germline.
Comment: This sequence change replaces leucine with valine at codon 1064 of the RTEL1 protein (p.Leu1064Val). The leucine residue is moderately conserved and there is a small physicochemical difference between leucine and valine. This variant is present in population databases (rs373448481, ExAC 0.002%). This variant has not been reported in the literature in individuals with RTEL1-related conditions. Algorithms developed to predict the effect of missense changes on protein structure and function are either unavailable or do not agree on the potential impact of this missense change (SIFT: "Tolerated"; PolyPhen-2: "Possibly Damaging"; Align-GVGD: "Class C0"). In summary, the available evidence is currently insufficient to determine the role of this variant in disease. Therefore, it has been classified as a Variant of Uncertain Significance.

Baylor Genetics
Classification: Uncertain significance for Dyskeratosis congenita, autosomal recessive 5. Last evaluated: 2018-06-12. Review status: criteria provided, single submitter. Criteria: ACMG Guidelines, 2015. Collection method: clinical testing. Allele origin: unknown. Affected: yes.
Comment: This variant was determined to be of uncertain significance according to ACMG Guidelines, 2015 [PMID:25741868].